The following is an entry in ClinVar:

NM_015122.3(FCHO1):c.596G>A (p.Arg199His)

Gene: FCHO1 (FCH and mu domain containing endocytic adaptor 1; plus strand). Cytogenetic location: 19p13.11.
Variant type: single nucleotide variant.
Coding change: c.596G>A on transcript NM_015122.3 (MANE Select); coding-DNA position 596, G replaced by A.
Protein change: p.Arg199His; replaces arginine 199 with histidine.
Molecular consequence: missense variant. On other transcripts: non-coding transcript variant (36).
Genome position (GRCh38, 1-based): chr19:17,772,458, G>A. VCF-style: chr19-17772458-G-A. GRCh37 (hg19) VCF-style: chr19-17883267-G-A.
Other names: c.596G>A, p.Arg199His (NM_001384396.1, NM_001384397.1, NM_001384398.1 and 26 more transcripts); c.557G>A, p.Arg186His (NM_001384405.1, NM_001384388.1, NM_001384389.1); c.596G>A (NM_001161357.1); c.446G>A, p.Arg149His (NM_001161359.2, NM_001384384.1, NM_001384385.1 and 3 more transcripts); c.521G>A, p.Arg174His (NM_001384390.1); short protein forms R149H, R174H, R186H, R199H.
Identifiers: ClinVar variation 2077811 (VCV002077811.7), dbSNP rs767365658, ClinGen allele CA9300167.

ClinVar aggregate classification (germline): Uncertain significance. Review status: criteria provided, multiple submitters, no conflicts (2 of 4 stars). 4 submissions from 4 submitters: Uncertain significance (4). Last evaluated 2025-06-04.

Conditions:
Immunodeficiency 76. Identifiers: Orphanet 647804, MedGen C5543004, MONDO:0030898, OMIM 619164.

Allele frequency attached by ClinVar (database versions not stated): ExAC 0.00002; gnomAD exomes 0.00003; gnomAD 0.00004; TOPMed 0.00006.
gnomAD v4.1: 45 of 1,613,578 alleles (0.0028%); highest among the groups gnomAD compares: Middle Eastern, 0.017%; no homozygotes.

Submissions (4):

Ambry Genetics
Classification: Uncertain significance. Last evaluated: 2025-06-04. Review status: criteria provided, single submitter. Criteria: Ambry Variant Classification Scheme 2023. Collection method: clinical testing. Allele origin: germline.

Genomic Medicine Center of Excellence, King Faisal Specialist Hospital and Research Centre
Classification: Uncertain significance for Immunodeficiency 76. Last evaluated: 2024-03-25. Review status: criteria provided, single submitter. Criteria: ACMG Guidelines, 2015. Collection method: clinical testing. Allele origin: germline.

Labcorp Genetics (formerly Invitae), Labcorp
Classification: Uncertain significance. Last evaluated: 2023-10-03. Review status: criteria provided, single submitter. Criteria: Invitae Variant Classification Sherloc (09022015). Collection method: clinical testing. Allele origin: germline.
Comment: This sequence change replaces arginine, which is basic and polar, with histidine, which is basic and polar, at codon 199 of the FCHO1 protein (p.Arg199His). This variant is present in population databases (rs767365658, gnomAD 0.007%). This variant has not been reported in the literature in individuals affected with FCHO1-related conditions. ClinVar contains an entry for this variant (Variation ID: 2077811). Algorithms developed to predict the effect of missense changes on protein structure and function output the following: SIFT: "Not Available"; PolyPhen-2: "Benign"; Align-GVGD: "Not Available". The histidine amino acid residue is found in multiple mammalian species, which suggests that this missense change does not adversely affect protein function. In summary, the available evidence is currently insufficient to determine the role of this variant in disease. Therefore, it has been classified as a Variant of Uncertain Significance.

Revvity Omics, Revvity
Classification: Uncertain significance for Immunodeficiency 76. Last evaluated: 2023-01-04. Review status: criteria provided, single submitter. Criteria: ACMG Guidelines, 2015. Collection method: clinical testing. Allele origin: germline.